The following is an entry in ClinVar:

ClinVar aggregate classification (germline): Uncertain significance. Review status: criteria provided, multiple submitters, no conflicts (2 of 4 stars). 6 submissions from 6 submitters: Uncertain significance (6). Last evaluated 2025-08-25.

Conditions:
Inborn genetic diseases. Identifiers: MedGen C0950123, MeSH D030342.
Nephronophthisis 16 (NPHP16). Identifiers: Orphanet 655, MedGen C3809320, MONDO:0014158, OMIM 615382.

Allele frequency attached by ClinVar (database versions not stated): gnomAD 0.00003; TOPMed 0.00009; 1000 Genomes Project 30x 0.00016; 1000 Genomes Project 0.00020.
gnomAD v4.1: 180 of 1,587,758 alleles (0.011%); highest among the groups gnomAD compares: Middle Eastern, 0.27%; no homozygotes.

Submissions (6):

Daryl Scott Lab, Baylor College of Medicine
Classification: Uncertain significance for Nephronophthisis 16. Last evaluated: 2025-08-25. Review status: criteria provided, single submitter. Criteria: ACMG Guidelines, 2015. Collection method: clinical testing. Allele origin: biparental. Affected: yes. Observed: 1 homozygote.
Comment: PM2

Fulgent Genetics
Classification: Uncertain significance for Nephronophthisis 16. Last evaluated: 2024-05-07. Review status: criteria provided, single submitter. Criteria: ACMG Guidelines, 2015. Collection method: clinical testing. Allele origin: germline.

Labcorp Genetics (formerly Invitae), Labcorp
Classification: Uncertain significance for Nephronophthisis 16. Last evaluated: 2022-07-09. Review status: criteria provided, single submitter. Criteria: Invitae Variant Classification Sherloc (09022015). Collection method: clinical testing. Allele origin: germline.
Comment: This sequence change replaces threonine, which is neutral and polar, with proline, which is neutral and non-polar, at codon 733 of the ANKS6 protein (p.Thr733Pro). This variant is present in population databases (rs201419783, gnomAD 0.02%). This variant has not been reported in the literature in individuals affected with ANKS6-related conditions. ClinVar contains an entry for this variant (Variation ID: 579133). Algorithms developed to predict the effect of missense changes on protein structure and function (SIFT, PolyPhen-2, Align-GVGD) all suggest that this variant is likely to be disruptive. In summary, the available evidence is currently insufficient to determine the role of this variant in disease. Therefore, it has been classified as a Variant of Uncertain Significance.

Ambry Genetics
Classification: Uncertain significance for Inborn genetic diseases. Last evaluated: 2021-09-03. Review status: criteria provided, single submitter. Criteria: Ambry Variant Classification Scheme 2023. Collection method: clinical testing. Allele origin: germline.

GeneDx
Classification: Uncertain significance. Last evaluated: 2021-04-05. Review status: criteria provided, single submitter. Criteria: GeneDx Variant Classification Process June 2021. Collection method: clinical testing. Allele origin: germline. Affected: yes.
Comment: Has not been previously published as pathogenic or benign to our knowledge

Breakthrough Genomics
Classification: Uncertain significance. Review status: criteria provided, single submitter. Criteria: ACMG Guidelines, 2015. Collection method: not provided. Allele origin: germline. Inheritance: Autosomal recessive inheritance. Affected: yes.

NM_173551.5(ANKS6):c.2197A>C (p.Thr733Pro)

Gene: ANKS6 (ankyrin repeat and sterile alpha motif domain containing 6; minus strand). Cytogenetic location: 9q22.33.
Variant type: single nucleotide variant.
Coding change: c.2197A>C on transcript NM_173551.5 (MANE Select); coding-DNA position 2197, A replaced by C.
Protein change: p.Thr733Pro; replaces threonine 733 with proline.
Molecular consequence: missense variant.
Genome position (GRCh38, 1-based): chr9:98,756,549, T>G on the plus strand (A>C on the coding strand, the complement: ANKS6 is on the minus strand). VCF-style: chr9-98756549-T-G. GRCh37 (hg19) VCF-style: chr9-101518831-T-G.
Other names: short protein forms T733P.
Identifiers: ClinVar variation 579133 (VCV000579133.9), dbSNP rs201419783, ClinGen allele CA5153230.